The following is an entry in ClinVar:

ClinVar aggregate classification (germline): Uncertain significance. Review status: criteria provided, multiple submitters, no conflicts (2 of 4 stars). 2 submissions from 2 submitters: Uncertain significance (2). Last evaluated 2025-08-31.

Conditions:
Inborn genetic diseases. Identifiers: MedGen C0950123, MeSH D030342.

Allele frequency attached by ClinVar (database versions not stated): gnomAD exomes 0.00001 and 0.00002; ExAC 0.00003; TOPMed 0.00006; gnomAD 0.00007; ESP Exome Variant Server 0.00008.
gnomAD v4.1: 19 of 1,612,670 alleles (0.0012%); highest among the groups gnomAD compares: African/African-American, 0.011%; no homozygotes.

Submissions (2):

Ambry Genetics
Classification: Uncertain significance for Inborn genetic diseases. Last evaluated: 2025-08-31. Review status: criteria provided, single submitter. Criteria: Ambry Variant Classification Scheme 2023. Collection method: clinical testing. Allele origin: germline.

Labcorp Genetics (formerly Invitae), Labcorp
Classification: Uncertain significance. Last evaluated: 2024-10-05. Review status: criteria provided, single submitter. Criteria: Invitae Variant Classification Sherloc (09022015). Collection method: clinical testing. Allele origin: germline.
Comment: This sequence change replaces proline, which is neutral and non-polar, with leucine, which is neutral and non-polar, at codon 254 of the COL9A3 protein (p.Pro254Leu). The frequency data for this variant in the population databases is considered unreliable, as metrics indicate poor data quality at this position in the gnomAD database. This variant has not been reported in the literature in individuals affected with COL9A3-related conditions. ClinVar contains an entry for this variant (Variation ID: 1389594). Invitae Evidence Modeling of protein sequence and biophysical properties (such as structural, functional, and spatial information, amino acid conservation, physicochemical variation, residue mobility, and thermodynamic stability) indicates that this missense variant is not expected to disrupt COL9A3 protein function with a negative predictive value of 95%. In summary, the available evidence is currently insufficient to determine the role of this variant in disease. Therefore, it has been classified as a Variant of Uncertain Significance.

NM_001853.4(COL9A3):c.761C>T (p.Pro254Leu)

Gene: COL9A3 (collagen type IX alpha 3 chain; plus strand). Cytogenetic location: 20q13.33.
Variant type: single nucleotide variant.
Coding change: c.761C>T on transcript NM_001853.4 (MANE Select); coding-DNA position 761, C replaced by T.
Protein change: p.Pro254Leu; replaces proline 254 with leucine.
Molecular consequence: missense variant.
Genome position (GRCh38, 1-based): chr20:62,826,789, C>T. VCF-style: chr20-62826789-C-T. GRCh37 (hg19) VCF-style: chr20-61458141-C-T.
Other names: c.761C>T (NM_001853.3); short protein forms P254L.
Identifiers: ClinVar variation 1389594 (VCV001389594.7), dbSNP rs368133031, ClinGen allele CA9949482.